The following is an entry in ClinVar:

NM_000138.5(FBN1):c.7432G>T (p.Glu2478Ter)

Gene: FBN1 (fibrillin 1; minus strand). Cytogenetic location: 15q21.1.
Variant type: single nucleotide variant.
Coding change: c.7432G>T on transcript NM_000138.5 (MANE Select); coding-DNA position 7432, G replaced by T.
Protein change: p.Glu2478Ter; replaces glutamic acid 2478 with a stop codon.
Molecular consequence: nonsense.
Genome position (GRCh38, 1-based): chr15:48,425,390, C>A on the plus strand (G>T on the coding strand, the complement: FBN1 is on the minus strand). VCF-style: chr15-48425390-C-A. GRCh37 (hg19) VCF-style: chr15-48717587-C-A.
Other names: short protein forms E2478*.
Identifiers: ClinVar variation 549409 (VCV000549409.18), dbSNP rs537570299, ClinGen allele CA392327631.

ClinVar aggregate classification (germline): Pathogenic. Review status: criteria provided, single submitter (1 of 4 stars). 2 submissions from 2 submitters: Pathogenic (1). 1 of the submissions does not count toward it. Last evaluated 2021-03-01.

Conditions:
Marfan syndrome (MFS). Also called: Marfan syndrome type 1; Marfan syndrome, classic; Marfan's syndrome; FBN1-Related Marfan Syndrome; MARFAN SYNDROME, TYPE I. Identifiers: Orphanet 284963, Orphanet 558, MedGen C0024796, MONDO:0007947, OMIM 154700.

Submissions (2):

Centre of Medical Genetics, University of Antwerp
Classification: Pathogenic for Marfan syndrome. Last evaluated: 2021-03-01. Review status: criteria provided, single submitter. Criteria: Submitter's publication. Collection method: research. Allele origin: unknown. Affected: yes.
Comment: PM2, PVS1, PP4

Center for Medical Genetics Ghent, University of Ghent
Classification: Pathogenic for Marfan syndrome. Last evaluated: 2017-11-07. Review status: no assertion criteria provided. Collection method: clinical testing. Allele origin: germline. Affected: yes. Not counted in ClinVar's aggregate classification.